The following is an entry in ClinVar:

NM_020937.4(FANCM):c.869T>C (p.Ile290Thr)

Gene: FANCM (FA complementation group M; plus strand). Cytogenetic location: 14q21.2.
Variant type: single nucleotide variant.
Coding change: c.869T>C on transcript NM_020937.4 (MANE Select); coding-DNA position 869, T replaced by C.
Protein change: p.Ile290Thr; replaces isoleucine 290 with threonine.
Molecular consequence: missense variant.
Genome position (GRCh38, 1-based): chr14:45,148,946, T>C. VCF-style: chr14-45148946-T-C. GRCh37 (hg19) VCF-style: chr14-45618149-T-C.
Other names: c.869T>C (NM_020937.3); c.791T>C, p.Ile264Thr (NM_001308133.2); c.869T>C, p.Ile290Thr (NM_001308134.2); short protein forms I290T, I264T.
Identifiers: ClinVar variation 843021 (VCV000843021.18), dbSNP rs377303950, ClinGen allele CA7168867.

ClinVar aggregate classification (germline): Uncertain significance. Review status: criteria provided, multiple submitters, no conflicts (2 of 4 stars). 6 submissions from 6 submitters: Uncertain significance (6). Last evaluated 2025-08-04.

Conditions:
Fanconi anemia (FA). Also called: Fanconi's anemia. Identifiers: Orphanet 84, MedGen C0015625, MeSH D005199, MONDO:0019391.
FANCM-related disorder. Also called: FANCM-related condition.

Allele frequency attached by ClinVar (database versions not stated): gnomAD exomes 0.00004 and 0.00015; ExAC 0.00005; TOPMed 0.00005; gnomAD 0.00007 and 0.00009; ESP Exome Variant Server 0.00008.

Submissions (6):

Quest Diagnostics Nichols Institute San Juan Capistrano
Classification: Uncertain significance. Last evaluated: 2025-08-04. Review status: criteria provided, single submitter. Criteria: Quest Diagnostics criteria. Collection method: clinical testing. Allele origin: unknown.
Comment: The FANCM c.869T>C (p.Ile290Thr) variant has been reported in the published literature in an individual with head and neck squamous cell carcinoma (PMID: 28678401 (2017)). In a large scale breast cancer association study, this variant has been observed in breast cancer cases as well as in reportedly unaffected individuals (PMID: 33471991 (2021), see also LOVD). The frequency of this variant in the general population (Genome Aggregation Database) is uninformative in the assessment of its pathogenicity. Analysis of this variant using bioinformatics tools for the prediction of the effect of amino acid changes on protein structure and function yielded predictions that this variant is benign. Based on the available information, we are unable to determine the clinical significance of this variant.

Labcorp Genetics (formerly Invitae), Labcorp
Classification: Uncertain significance for Fanconi anemia. Last evaluated: 2025-06-30. Review status: criteria provided, single submitter. Criteria: Invitae Variant Classification Sherloc (09022015). Collection method: clinical testing. Allele origin: germline.
Comment: This sequence change replaces isoleucine, which is neutral and non-polar, with threonine, which is neutral and polar, at codon 290 of the FANCM protein (p.Ile290Thr). This variant is present in population databases (rs377303950, gnomAD 0.008%). This missense change has been observed in individual(s) with head and neck squamous cell carcinoma (PMID: 28678401). ClinVar contains an entry for this variant (Variation ID: 843021). An algorithm developed to predict the effect of missense changes on protein structure and function (PolyPhen-2) suggests that this variant is likely to be tolerated. In summary, the available evidence is currently insufficient to determine the role of this variant in disease. Therefore, it has been classified as a Variant of Uncertain Significance.

Dasa
Classification: Uncertain significance. Last evaluated: 2025-03-11. Review status: criteria provided, single submitter. Criteria: DASA Assertion Criteria. Collection method: clinical testing. Allele origin: germline.
Comment: NM_020937.4(FANCM):c.869T>C (p.Ile290Thr) is a missense variant that results in the substitution of isoleucine with threonine. Published studies describe this variant in association with related phenotype (PMID: 31991861). Also, this variant is rare in population databases. Computational prediction algorithms are consistent with a benign effect. The currently available literature and clinical evidence are not sufficient to establish a definitive association between this variant and the reported condition. Therefore, this variant is classified as a variant of uncertain significance.

Blueprint Genetics
Classification: Uncertain significance. Last evaluated: 2024-11-11. Review status: criteria provided, single submitter. Criteria: ACMG Guidelines, 2015. Collection method: clinical testing. Allele origin: germline.

GeneDx
Classification: Uncertain significance. Last evaluated: 2024-03-12. Review status: criteria provided, single submitter. Criteria: GeneDx Variant Classification Process June 2021. Collection method: clinical testing. Allele origin: germline. Affected: yes.
Comment: Observed in individuals with colorectal cancer or head and neck squamous cell carcinoma (PMID: 27713038, 28678401); Not observed at significant frequency in large population cohorts (gnomAD); In silico analysis supports that this missense variant has a deleterious effect on protein structure/function; This variant is associated with the following publications: (PMID: 27713038, 28678401)

PreventionGenetics, part of Exact Sciences
Classification: Uncertain significance for FANCM-related condition. Last evaluated: 2023-03-10. Review status: criteria provided, single submitter. Criteria: ACMG Guidelines, 2015. Collection method: clinical testing. Allele origin: germline.
Comment: The FANCM c.869T>C variant is predicted to result in the amino acid substitution p.Ile290Thr. This variant was reported in an individual with head and neck squamous cell carcinoma (Table S3, Chandrasekharappa et al 2017. PubMed ID: 28678401). This variant is reported in 0.0077% of alleles in individuals of European (Non-Finnish) descent in gnomAD. This variant is listed in ClinVar as a variant of uncertain significance. At this time, the clinical significance of this variant is uncertain due to the absence of conclusive functional and genetic evidence.

Literature cited by the submitters: PubMed 33471991 (cited by Quest Diagnostics Nichols Institute San Juan Capistrano); PubMed 28678401 (cited by Quest Diagnostics Nichols Institute San Juan Capistrano and Labcorp Genetics (formerly Invitae), Labcorp); PubMed 31991861 (cited by Dasa).